The following is an entry in ClinVar:

NM_024675.4(PALB2):c.1725G>A (p.Trp575Ter)

Gene: PALB2 (partner and localizer of BRCA2; minus strand). Cytogenetic location: 16p12.2.
Variant type: single nucleotide variant.
Coding change: c.1725G>A on transcript NM_024675.4 (MANE Select); coding-DNA position 1725, G replaced by A.
Protein change: p.Trp575Ter; replaces tryptophan 575 with a stop codon.
Molecular consequence: nonsense.
Genome position (GRCh38, 1-based): chr16:23,630,429, C>T on the plus strand (G>A on the coding strand, the complement: PALB2 is on the minus strand). VCF-style: chr16-23630429-C-T. GRCh37 (hg19) VCF-style: chr16-23641750-C-T.
Other names: c.1665G>A, p.Trp555Ter (NM_001407296.1); c.1725G>A, p.Trp575Ter (NM_001407297.1, NM_001407298.1, NM_001407299.1 and 3 more transcripts); c.840G>A, p.Trp280Ter (NM_001407304.1, NM_001407305.1, NM_001407306.1 and 5 more transcripts); c.-64G>A (NM_001407312.1, NM_001407313.1); short protein forms W555*, W575*, W280*.
Identifiers: ClinVar variation 1778852 (VCV001778852.7), dbSNP rs2142390682, ClinGen allele CA395128363.

ClinVar aggregate classification (germline): Pathogenic. Review status: criteria provided, multiple submitters, no conflicts (2 of 4 stars). 3 submissions from 3 submitters: Pathogenic (3). Last evaluated 2024-07-18.

Conditions:
Hereditary cancer-predisposing syndrome. Also called: Neoplastic Syndromes, Hereditary; Tumor predisposition; Hereditary Cancer Syndrome; Hereditary neoplastic syndrome. Identifiers: Orphanet 140162, MedGen C0027672, MeSH D009386, MONDO:0015356.
Familial cancer of breast. Also called: BREAST CANCER, FAMILIAL; Hereditary breast cancer; hereditary breast carcinoma. Identifiers: Orphanet 227535, MedGen C0346153, MONDO:0016419, OMIM 114480. Disease mechanism: loss of function.

Submissions (3):

Ambry Genetics
Classification: Pathogenic for Hereditary cancer-predisposing syndrome. Last evaluated: 2024-07-18. Review status: criteria provided, single submitter. Criteria: Ambry Variant Classification Scheme 2023. Collection method: clinical testing. Allele origin: germline.
Comment: The p.W575* variant (also known as c.1725G>A), located in coding exon 5 of the PALB2 gene, results from a G to A substitution at nucleotide position 1725. This changes the amino acid from a tryptophan to a stop codon within coding exon 5. This alteration is expected to result in loss of function by premature protein truncation or nonsense-mediated mRNA decay. As such, this alteration is interpreted as a disease-causing mutation.

Myriad Genetics, Inc.
Classification: Pathogenic for Familial cancer of breast. Last evaluated: 2023-09-11. Review status: criteria provided, single submitter. Criteria: Myriad Autosomal Dominant, Autosomal Recessive and X-Linked Classification Criteria (2023). Collection method: clinical testing. Allele origin: unknown.
Comment: This variant is considered pathogenic. This variant creates a termination codon and is predicted to result in premature protein truncation.

Labcorp Genetics (formerly Invitae), Labcorp
Classification: Pathogenic for Familial cancer of breast. Last evaluated: 2022-11-10. Review status: criteria provided, single submitter. Criteria: Invitae Variant Classification Sherloc (09022015). Collection method: clinical testing. Allele origin: germline.
Comment: For these reasons, this variant has been classified as Pathogenic. This sequence change creates a premature translational stop signal (p.Trp575*) in the PALB2 gene. It is expected to result in an absent or disrupted protein product. Loss-of-function variants in PALB2 are known to be pathogenic (PMID: 17200668, 17200671, 17200672, 24136930, 25099575). This variant is not present in population databases (gnomAD no frequency). This premature translational stop signal has been observed in individual(s) with breast cancer (PMID: 31841383).

Literature cited by the submitters: PubMed 17200668 (cited by Labcorp Genetics (formerly Invitae), Labcorp); PubMed 17200671 (cited by Labcorp Genetics (formerly Invitae), Labcorp); PubMed 17200672 (cited by Labcorp Genetics (formerly Invitae), Labcorp); PubMed 24136930 (cited by Labcorp Genetics (formerly Invitae), Labcorp); PubMed 25099575 (cited by Labcorp Genetics (formerly Invitae), Labcorp); PubMed 31841383 (cited by Labcorp Genetics (formerly Invitae), Labcorp).